The following is an entry in ClinVar:

NM_014637.4(MTFR1):c.42A>G (p.Gln14=)

Gene: MTFR1 (mitochondrial fission regulator 1; plus strand). Cytogenetic location: 8q13.1.
Variant type: single nucleotide variant.
Coding change: c.42A>G on transcript NM_014637.4 (MANE Select); coding-DNA position 42, A replaced by G.
Protein change: p.Gln14=; no amino-acid change (glutamine 14 retained).
Molecular consequence: synonymous variant. On other transcripts: non-coding transcript variant (4), 5 prime UTR variant (1).
Genome position (GRCh38, 1-based): chr8:65,669,994, A>G. VCF-style: chr8-65669994-A-G. GRCh37 (hg19) VCF-style: chr8-66582229-A-G.
Other names: c.42A>G, p.Gln14= (NM_001413081.1, NM_001413082.1, NM_001413083.1 and 14 more transcripts); c.-134A>G (NM_001413079.1).
Identifiers: ClinVar variation 2658631 (VCV002658631.24), dbSNP rs140777926, ClinGen allele CA4764589.

ClinVar aggregate classification (germline): Likely benign (1 of 4 stars; one submission).

Allele frequency attached by ClinVar (database versions not stated): gnomAD exomes 0.00356; ESP Exome Variant Server 0.00408; 1000 Genomes Project 30x 0.00078; 1000 Genomes Project 0.00080; TOPMed 0.00199; gnomAD 0.00227; ExAC 0.00231.
gnomAD v4.1: 5,475 of 1,606,022 alleles (0.34%); highest among the groups gnomAD compares: Non-Finnish European, 0.4%; 17 homozygotes.

Submission:

CeGaT Center for Human Genetics Tuebingen
Classification: Likely benign. Last evaluated: 2022-07-01. Review status: criteria provided, single submitter. Criteria: CeGaT Center For Human Genetics Tuebingen Variant Classification Criteria Version 2. Collection method: clinical testing. Allele origin: germline. Affected: yes. Observed: 1 variant allele.
Comment: MTFR1: BP4, BP7